The following is an entry in ClinVar:

ClinVar aggregate classification (germline): Uncertain significance. Review status: criteria provided, single submitter (1 of 4 stars). 2 submissions from 2 submitters: Uncertain significance (1). 1 of the submissions does not count toward it. Last evaluated 2023-08-22.

Conditions:
CLPTM1-related disorder. Also called: CLPTM1-related condition.

Allele frequency attached by ClinVar (database versions not stated): gnomAD 0.00004; ExAC 0.00005; TOPMed 0.00005; gnomAD exomes 0.00008.
gnomAD v4.1: 116 of 1,613,636 alleles (0.0072%); highest among the groups gnomAD compares: Middle Eastern, 0.016%; no homozygotes.

Submissions (2):

Ambry Genetics
Classification: Uncertain significance. Last evaluated: 2023-08-22. Review status: criteria provided, single submitter. Criteria: Ambry Variant Classification Scheme 2023. Collection method: clinical testing. Allele origin: germline.

PreventionGenetics, part of Exact Sciences
Classification: Uncertain significance for CLPTM1-related condition. Last evaluated: 2024-08-07. Review status: no assertion criteria provided. Collection method: clinical testing. Allele origin: germline. Not counted in ClinVar's aggregate classification.
Comment: The CLPTM1 c.1393G>A variant is predicted to result in the amino acid substitution p.Glu465Lys. To our knowledge, this variant has not been reported in the literature. This variant is reported in 0.0085% of alleles in individuals of European (Non-Finnish) descent in gnomAD. At this time, the clinical significance of this variant is uncertain due to the absence of conclusive functional and genetic evidence.

NM_001294.4(CLPTM1):c.1393G>A (p.Glu465Lys)

Gene: CLPTM1 (CLPTM1 regulator of GABA type A receptor forward trafficking; plus strand). Cytogenetic location: 19q13.32.
Variant type: single nucleotide variant.
Coding change: c.1393G>A on transcript NM_001294.4 (MANE Select); coding-DNA position 1393, G replaced by A.
Protein change: p.Glu465Lys; replaces glutamic acid 465 with lysine.
Molecular consequence: missense variant.
Genome position (GRCh38, 1-based): chr19:44,990,919, G>A. VCF-style: chr19-44990919-G-A. GRCh37 (hg19) VCF-style: chr19-45494177-G-A.
Other names: c.1351G>A, p.Glu451Lys (NM_001282175.2); c.1087G>A, p.Glu363Lys (NM_001282176.2); c.1393G>A (NM_001294.3); short protein forms E451K, E363K, E465K.
Identifiers: ClinVar variation 2588421 (VCV002588421.3), dbSNP rs766350533, ClinGen allele CA9507160.